The following is an entry in ClinVar:

NM_006941.4(SOX10):c.84G>T (p.Ala28=)

Genes: POLR2F (RNA polymerase II, I and III subunit F; plus strand), SOX10 (SRY-box transcription factor 10; minus strand). Cytogenetic location: 22q13.1.
Variant type: single nucleotide variant.
Coding change: c.84G>T on transcript NM_006941.4 (MANE Select); coding-DNA position 84, G replaced by T.
Protein change: p.Ala28=; no amino-acid change (alanine 28 retained).
Molecular consequence: synonymous variant. On other transcripts: intron variant (3).
Genome position (GRCh38, 1-based): chr22:37,983,701, C>A on the plus strand (G>T on the coding strand, the complement: SOX10 is on the minus strand). VCF-style: chr22-37983701-C-A. GRCh37 (hg19) VCF-style: chr22-38379708-C-A.
Other names: c.*38+11391C>A (NM_001363825.1); c.294-2453C>A (NM_001301130.2); c.293+16531C>A (NM_001301131.2).
Identifiers: ClinVar variation 2442776 (VCV002442776.1), dbSNP rs2518052881, ClinGen allele CA514777290.

ClinVar aggregate classification (germline): Uncertain significance (1 of 4 stars; one submission).

Submission:

GeneDx
Classification: Uncertain significance. Last evaluated: 2022-08-31. Review status: criteria provided, single submitter. Criteria: GeneDx Variant Classification Process June 2021. Collection method: clinical testing. Allele origin: germline. Affected: yes.
Comment: Not observed at significant frequency in large population cohorts (gnomAD); In silico analysis supports that this variant does not alter splicing; Has not been previously published as pathogenic or benign to our knowledge